The following is an entry in ClinVar:

NM_000282.4(PCCA):c.1045G>T (p.Glu349Ter)

Gene: PCCA (propionyl-CoA carboxylase subunit alpha; plus strand). Cytogenetic location: 13q32.3.
Variant type: single nucleotide variant.
Coding change: c.1045G>T on transcript NM_000282.4 (MANE Select); coding-DNA position 1045, G replaced by T.
Protein change: p.Glu349Ter; replaces glutamic acid 349 with a stop codon.
Molecular consequence: nonsense. On other transcripts: non-coding transcript variant (5).
Genome position (GRCh38, 1-based): chr13:100,273,326, G>T. VCF-style: chr13-100273326-G-T. GRCh37 (hg19) VCF-style: chr13-100925580-G-T.
Other names: c.967G>T, p.Glu323Ter (NM_001127692.3, NM_001352607.2, NM_001352608.2); c.1045G>T, p.Glu349Ter (NM_001178004.2, NM_001352605.2, NM_001352606.2 and 1 more transcripts); c.100G>T, p.Glu34Ter (NM_001352610.2, NM_001352611.2, NM_001352612.2); short protein forms E323*, E34*, E349*.
Identifiers: ClinVar variation 5015617 (VCV005015617.1).

ClinVar aggregate classification (germline): Pathogenic (1 of 4 stars; one submission).

Conditions:
Propionic acidemia (PROP). Also called: GLYCINEMIA, KETOTIC; HYPERGLYCINEMIA WITH KETOACIDOSIS AND LEUKOPENIA; KETOTIC HYPERGLYCINEMIA. Identifiers: Orphanet 35, MedGen C0268579, MONDO:0011628, OMIM 606054, HP:0003571.

Submission:

Myriad Genetics, Inc.
Classification: Pathogenic for Propionic acidemia. Last evaluated: 2026-02-26. Review status: criteria provided, single submitter. Criteria: Myriad Autosomal Dominant, Autosomal Recessive and X-Linked Classification Criteria (2023). Collection method: clinical testing. Allele origin: unknown.
Comment: NM_000282.3(PCCA):c.1045G>T(E349*) is expected to be pathogenic in the context of PCCA-related propionic acidemia. This variant is predicted to lead to an abnormal or absent protein product due to the creation of a premature termination codon in PCCA, a gene where loss-of-function variants are known to be pathogenic. Please note: this variant was assessed in the context of healthy population screening.